The following is an entry in ClinVar:

ClinVar aggregate classification (germline): Uncertain significance (1 of 4 stars; one submission).

gnomAD v4.1: 1 of 1,614,032 alleles (0.000062%); highest among the groups gnomAD compares: South Asian, 0.0011%; no homozygotes.

Submission:

Ambry Genetics
Classification: Uncertain significance. Last evaluated: 2024-04-25. Review status: criteria provided, single submitter. Criteria: Ambry Variant Classification Scheme 2023. Collection method: clinical testing. Allele origin: germline.
Comment: The p.K1612R variant (also known as c.4835A>G), located in coding exon 37 of the PRKDC gene, results from an A to G substitution at nucleotide position 4835. The lysine at codon 1612 is replaced by arginine, an amino acid with highly similar properties. This amino acid position is conserved. Based on the available evidence, the clinical significance of this variant remains unclear.

NM_006904.7(PRKDC):c.4835A>G (p.Lys1612Arg)

Gene: PRKDC (protein kinase, DNA-activated, catalytic subunit; minus strand). Cytogenetic location: 8q11.21.
Variant type: single nucleotide variant.
Coding change: c.4835A>G on transcript NM_006904.7 (MANE Select); coding-DNA position 4835, A replaced by G.
Protein change: p.Lys1612Arg; replaces lysine 1612 with arginine.
Molecular consequence: missense variant.
Genome position (GRCh38, 1-based): chr8:47,882,039, T>C on the plus strand (A>G on the coding strand, the complement: PRKDC is on the minus strand). VCF-style: chr8-47882039-T-C. GRCh37 (hg19) VCF-style: chr8-48794600-T-C.
Other names: c.4835A>G, p.Lys1612Arg (NM_001081640.2); short protein forms K1612R.
Identifiers: ClinVar variation 3310132 (VCV003310132.1).